The following is an entry in ClinVar:

ClinVar aggregate classification (germline): Uncertain significance (1 of 4 stars; one submission).

Conditions:
Multiple endocrine neoplasia, type 1 (MEN1). Also called: MEN I; WERMER SYNDROME; Endocrine adenomatosis multiple; MEN 1; MEA I. Identifiers: Orphanet 652, MedGen C0025267, MeSH D018761, MONDO:0007540, OMIM 131100.

Submission:

Labcorp Genetics (formerly Invitae), Labcorp
Classification: Uncertain significance for Multiple endocrine neoplasia, type 1. Last evaluated: 2022-11-25. Review status: criteria provided, single submitter. Criteria: Invitae Variant Classification Sherloc (09022015). Collection method: clinical testing. Allele origin: germline.
Comment: This sequence change replaces aspartic acid, which is acidic and polar, with histidine, which is basic and polar, at codon 406 of the MEN1 protein (p.Asp406His). In summary, the available evidence is currently insufficient to determine the role of this variant in disease. Therefore, it has been classified as a Variant of Uncertain Significance. Advanced modeling of protein sequence and biophysical properties (such as structural, functional, and spatial information, amino acid conservation, physicochemical variation, residue mobility, and thermodynamic stability) performed at Invitae indicates that this missense variant is expected to disrupt MEN1 protein function. This variant has not been reported in the literature in individuals affected with MEN1-related conditions. This variant is not present in population databases (gnomAD no frequency).

NM_001370259.2(MEN1):c.1216G>C (p.Asp406His)

Gene: MEN1 (menin 1; minus strand). Cytogenetic location: 11q13.1.
Variant type: single nucleotide variant.
Coding change: c.1216G>C on transcript NM_001370259.2 (MANE Select); coding-DNA position 1216, G replaced by C.
Protein change: p.Asp406His; replaces aspartic acid 406 with histidine.
Molecular consequence: missense variant. On other transcripts: non-coding transcript variant (4), intron variant (1).
Genome position (GRCh38, 1-based): chr11:64,805,168, C>G on the plus strand (G>C on the coding strand, the complement: MEN1 is on the minus strand). VCF-style: chr11-64805168-C-G. GRCh37 (hg19) VCF-style: chr11-64572640-C-G.
Other names: c.1231G>C, p.Asp411His (NM_000244.4, NM_130800.3, NM_130801.3 and 4 more transcripts); c.1342G>C, p.Asp448His (NM_001370251.2, NM_001407142.1, NM_001407143.1 and 1 more transcripts); c.1216G>C, p.Asp406His (NM_001370260.2, NM_001370261.2, NM_001407146.1 and 2 more transcripts); c.1111G>C, p.Asp371His (NM_001370262.2, NM_001370263.2, NM_001407148.1 and 1 more transcripts); c.1186-352G>C (NM_001407152.1); c.1357G>C, p.Asp453His (NM_001407150.1); c.1237G>C, p.Asp413His (NM_001407151.1); short protein forms D406H, D411H, D453H, D448H, D371H, D413H.
Identifiers: ClinVar variation 2816669 (VCV002816669.3), dbSNP rs2136103028, ClinGen allele CA381180726.